The following is an entry in ClinVar:

NM_001367721.1(CASK):c.1233+1G>T

Gene: CASK (calcium/calmodulin dependent serine protein kinase; minus strand). Cytogenetic location: Xp11.4.
Variant type: single nucleotide variant.
Coding change: c.1233+1G>T on transcript NM_001367721.1 (MANE Select); the canonical splice donor site of the intron after coding-DNA position 1233, G replaced by T.
Molecular consequence: splice donor variant.
Genome position (GRCh38, 1-based): chrX:41,589,514, C>A on the plus strand (G>T on the coding strand, the complement: CASK is on the minus strand). VCF-style: chrX-41589514-C-A. GRCh37 (hg19) VCF-style: chrX-41448767-C-A.
Other names: c.1215+1G>T (NM_001126055.3, NM_001410745.1); c.1233+1G>T (NM_001126054.3, NM_003688.4).
Identifiers: ClinVar variation 4854873 (VCV004854873.1).

ClinVar aggregate classification (germline): Likely pathogenic (1 of 4 stars; one submission).

Conditions:
Syndromic X-linked intellectual disability Najm type (MICPCH). Also called: Intellectual Disability and Microcephaly with Pontine and Cerebellar Hypoplasia; Intellectual Disability and Microcephaly with Pontine and Cerebellar Hypoplasia (MICPCH); MICPCH SYNDROME; Intellectual developmental disorder and microcephaly with pontine and cerebellar hypoplasia; Mental retardation and microcephaly with pontine and cerebellar hypoplasia; MENTAL RETARDATION, X-LINKED, SYNDROMIC, NAJM TYPE. Identifiers: Orphanet 163937, MedGen C2677903, MONDO:0010417, OMIM 300749.

Submission:

3billion
Classification: Likely pathogenic for Syndromic X-linked intellectual disability Najm type. Last evaluated: 2025-06-11. Review status: criteria provided, single submitter. Criteria: ACMG Guidelines, 2015. Collection method: clinical testing. Allele origin: germline. Affected: yes.
Comment: The variant is not observed in the gnomAD v4.1.0 dataset. Predicted Consequence/Location: Canonical splice site: predicted to alter splicing and result in a loss or disruption of normal protein function. Multiple pathogenic loss-of-function variants are reported downstream of the variant. Therefore, this variant is classified as Likely pathogenic according to the recommendation of ACMG/AMP guideline.